The following is an entry in ClinVar:

ClinVar aggregate classification (germline): Uncertain significance (1 of 4 stars; one submission).

Conditions:
Leber congenital amaurosis 3 (LCA3). Also called: SPATA7-Related Retinitis Pigmentosa. Identifiers: MedGen C1858677, MONDO:0011415, OMIM 604232.

Allele frequency attached by ClinVar (database versions not stated): gnomAD exomes below 0.00001; gnomAD 0.00001; TOPMed 0.00001.
gnomAD v4.1: 5 of 1,613,832 alleles (0.00031%); highest among the groups gnomAD compares: Admixed American, 0.0033%; no homozygotes.

Submission:

Labcorp Genetics (formerly Invitae), Labcorp
Classification: Uncertain significance for Leber congenital amaurosis 3. Last evaluated: 2022-03-13. Review status: criteria provided, single submitter. Criteria: Invitae Variant Classification Sherloc (09022015). Collection method: clinical testing. Allele origin: germline.
Comment: This sequence change replaces aspartic acid, which is acidic and polar, with asparagine, which is neutral and polar, at codon 134 of the SPATA7 protein (p.Asp134Asn). This variant is present in population databases (no rsID available, gnomAD no frequency). This variant has not been reported in the literature in individuals affected with SPATA7-related conditions. Algorithms developed to predict the effect of missense changes on protein structure and function output the following: SIFT: "Tolerated"; PolyPhen-2: "Benign"; Align-GVGD: "Class C0". The asparagine amino acid residue is found in multiple mammalian species, which suggests that this missense change does not adversely affect protein function. In summary, the available evidence is currently insufficient to determine the role of this variant in disease. Therefore, it has been classified as a Variant of Uncertain Significance.

NM_018418.5(SPATA7):c.400G>A (p.Asp134Asn)

Gene: SPATA7 (spermatogenesis associated 7; plus strand). Cytogenetic location: 14q31.3.
Variant type: single nucleotide variant.
Coding change: c.400G>A on transcript NM_018418.5 (MANE Select); coding-DNA position 400, G replaced by A.
Protein change: p.Asp134Asn; replaces aspartic acid 134 with asparagine.
Molecular consequence: missense variant.
Genome position (GRCh38, 1-based): chr14:88,426,259, G>A. VCF-style: chr14-88426259-G-A. GRCh37 (hg19) VCF-style: chr14-88892603-G-A.
Other names: c.304G>A, p.Asp102Asn (NM_001040428.4); short protein forms D102N, D134N.
Identifiers: ClinVar variation 1983611 (VCV001983611.1), dbSNP rs1315969011, ClinGen allele CA390561335.